The following is an entry in ClinVar:

ClinVar aggregate classification (germline): Benign. Review status: criteria provided, multiple submitters, no conflicts (2 of 4 stars). 3 submissions from 2 submitters: Benign (3). Last evaluated 2018-01-13.

Conditions:
Otofaciocervical syndrome 1 (OTFCS). Identifiers: MedGen C3714941, MONDO:0024532, OMIM 166780.
Branchiootic syndrome 1 (BOS1). Also called: BO SYNDROME 1; BRANCHIOOTIC DYSPLASIA. Identifiers: MedGen C1865143, MONDO:0011258, OMIM 602588.

Allele frequency attached by ClinVar (database versions not stated): 1000 Genomes Project 0.00339; 1000 Genomes Project 30x 0.00344; gnomAD 0.00450 and 0.00454; TOPMed 0.00513.

Submissions (3):

Illumina Laboratory Services, Illumina
Classification: Benign for Branchiootic syndrome. Last evaluated: 2018-01-13. Review status: criteria provided, single submitter. Criteria: ICSL Variant Classification Criteria 13 December 2019. Collection method: clinical testing. Allele origin: germline.
Comment: This variant was observed in the ICSL laboratory as part of a predisposition screen in an ostensibly healthy population. It had not been previously curated by ICSL or reported in the Human Gene Mutation Database (HGMD: prior to June 1st, 2018), and was therefore a candidate for classification through an automated scoring system. Utilizing variant allele frequency, disease prevalence and penetrance estimates, and inheritance mode, an automated score was calculated to assess if this variant is too frequent to cause the disease. Based on the score and internal cut-off values, a variant classified as benign is not then subjected to further curation. The score for this variant resulted in a classification of benign for this disease.

Illumina Laboratory Services, Illumina
Classification: Benign for Otofaciocervical syndrome 1. Last evaluated: 2018-01-13. Review status: criteria provided, single submitter. Criteria: ICSL Variant Classification Criteria 13 December 2019. Collection method: clinical testing. Allele origin: germline.
Comment: the same text as in the submission from Illumina Laboratory Services, Illumina above.

Breakthrough Genomics
Classification: Benign. Review status: criteria provided, single submitter. Criteria: ACMG Guidelines, 2015. Collection method: not provided. Allele origin: germline. Inheritance: Autosomal dominant inheritance. Affected: yes.

NM_000503.6(EYA1):c.*1263C>T

Gene: EYA1 (EYA transcriptional coactivator and phosphatase 1; minus strand). Cytogenetic location: 8q13.3.
Variant type: single nucleotide variant.
Coding change: c.*1263C>T on transcript NM_000503.6 (MANE Select); 1263 bases downstream of the stop codon, C replaced by T.
Molecular consequence: 3 prime UTR variant.
Genome position (GRCh38, 1-based): chr8:71,198,077, G>A on the plus strand (C>T on the coding strand, the complement: EYA1 is on the minus strand). VCF-style: chr8-71198077-G-A. GRCh37 (hg19) VCF-style: chr8-72110312-G-A.
Other names: c.*1263C>T (NM_001288574.2, NM_001288575.2, NM_001370333.1 and 5 more transcripts).
Identifiers: ClinVar variation 363630 (VCV000363630.6), dbSNP rs140308724, ClinGen allele CA10628271.